The following is an entry in ClinVar:

NM_006623.4(PHGDH):c.1326G>A (p.Thr442=)

Gene: PHGDH (phosphoglycerate dehydrogenase; plus strand). Cytogenetic location: 1p12.
Variant type: single nucleotide variant.
Coding change: c.1326G>A on transcript NM_006623.4 (MANE Select); coding-DNA position 1326, G replaced by A.
Protein change: p.Thr442=; no amino-acid change (threonine 442 retained).
Molecular consequence: synonymous variant.
Genome position (GRCh38, 1-based): chr1:119,742,923, G>A. VCF-style: chr1-119742923-G-A. GRCh37 (hg19) VCF-style: chr1-120285546-G-A.
Other names: p.Thr442=.
Identifiers: ClinVar variation 292321 (VCV000292321.23), dbSNP rs543703, ClinGen allele CA1037433.
Genomic context (GRCh38, chr1:119,742,923, plus strand): 5'-CCTGGCCGTGGCCCTGGCAGGCGCCCCTTACCAGGCTGTGGGCTTGGTCCAAGGCACTAC[G>A]CCTGTACTGCAGGGGCTCAATGGAGCTGTCTTCAGGCCAGAAGTGCCTCTCCGCAGGGAC-3'
Protein context (NP_006614.2, residues 432-452): YQAVGLVQGT[Thr442=]PVLQGLNGAV

ClinVar aggregate classification (germline): Benign. Review status: criteria provided, multiple submitters, no conflicts (2 of 4 stars). 13 submissions from 12 submitters: Benign (10). 3 of the submissions do not count toward it. Last evaluated 2026-02-04.

Conditions:
PHGDH deficiency. Identifiers: Orphanet 79351, MedGen C1866174, MONDO:0011152, OMIM 601815.
Neu-Laxova syndrome 1 (NLS1). Identifiers: Orphanet 2671, Orphanet 583607, MedGen C4551478, MONDO:0009736, OMIM 256520. Disease mechanism: loss of function.

Allele frequency attached by ClinVar (database versions not stated): gnomAD exomes 0.67833 and 0.69078; ExAC 0.69241; gnomAD 0.69798 and 0.70044; ESP Exome Variant Server 0.70606; TOPMed 0.71179; 1000 Genomes Project 30x 0.72158; 1000 Genomes Project 0.72224.
gnomAD v4.1: 1,097,919 of 1,613,196 alleles (68%); highest among the groups gnomAD compares: Middle Eastern, 82%; 376,482 homozygotes.

Submissions (13):

Labcorp Genetics (formerly Invitae), Labcorp
Classification: Benign for PHGDH deficiency. Last evaluated: 2026-02-04. Review status: criteria provided, single submitter. Criteria: Invitae Variant Classification Sherloc (09022015). Collection method: clinical testing. Allele origin: germline.

Blueprint Genetics
Classification: Benign. Last evaluated: 2024-11-26. Review status: criteria provided, single submitter. Criteria: ACMG Guidelines, 2015. Collection method: clinical testing. Allele origin: germline.

Genome-Nilou Lab
Classification: Benign for Neu-Laxova syndrome 1. Last evaluated: 2021-07-08. Review status: criteria provided, single submitter. Criteria: ACMG Guidelines, 2015. Collection method: clinical testing. Allele origin: germline. Affected: no.

Genome-Nilou Lab
Classification: Benign for PHGDH deficiency. Last evaluated: 2021-07-08. Review status: criteria provided, single submitter. Criteria: ACMG Guidelines, 2015. Collection method: clinical testing. Allele origin: germline. Affected: no.

GeneDx
Classification: Benign. Last evaluated: 2021-03-30. Review status: criteria provided, single submitter. Criteria: GeneDx Variant Classification (06012015). Collection method: clinical testing. Allele origin: germline. Affected: yes.

Mayo Clinic Laboratories, Mayo Clinic
Classification: Benign. Last evaluated: 2018-04-02. Review status: criteria provided, single submitter. Criteria: ACMG Guidelines, 2015. Collection method: clinical testing. Allele origin: germline. Observed: 498 variant alleles.

Illumina Laboratory Services, Illumina
Classification: Benign for PHGDH deficiency. Last evaluated: 2018-01-13. Review status: criteria provided, single submitter. Criteria: ICSL Variant Classification Criteria 13 December 2019. Collection method: clinical testing. Allele origin: germline.
Comment: This variant was observed in the ICSL laboratory as part of a predisposition screen in an ostensibly healthy population. It had not been previously curated by ICSL or reported in the Human Gene Mutation Database (HGMD: prior to June 1st, 2018), and was therefore a candidate for classification through an automated scoring system. Utilizing variant allele frequency, disease prevalence and penetrance estimates, and inheritance mode, an automated score was calculated to assess if this variant is too frequent to cause the disease. Based on the score and internal cut-off values, a variant classified as benign is not then subjected to further curation. The score for this variant resulted in a classification of benign for this disease.

Athena Diagnostics
Classification: Benign. Last evaluated: 2017-04-20. Review status: criteria provided, single submitter. Criteria: Athena Diagnostics Criteria. Collection method: clinical testing. Allele origin: germline.

Women's Health and Genetics/Laboratory Corporation of America, LabCorp
Classification: Benign. Last evaluated: 2016-10-24. Review status: criteria provided, single submitter. Criteria: LabCorp Variant Classification Summary - May 2015. Collection method: clinical testing. Allele origin: germline.
Comment: Variant summary: The c.1326G>A (p.Thr142=) in PHGDH gene is a synonymous change that involves a non-conserved nucleotide. 5/5 programs in Alamut predict that this variant does not affect normal splicing, however no functional studies supporting this notion were published at the time of evaluation. The variant is present in the large control population dataset of ExAC at a frequency 0.69 (83957/121254 chrs tested), which exceeds the estimated maximal expected allele frequency of a pathogenic variant in this gene. The c.1326G>A has not, to our knowledge, been reported in affected individuals via published reports or cited by a reputable database/clinical laboratory. Taken together, this variant has been classified as Benign.

Breakthrough Genomics
Classification: Benign. Review status: criteria provided, single submitter. Criteria: ACMG Guidelines, 2015. Collection method: not provided. Allele origin: germline. Inheritance: Autosomal recessive inheritance. Affected: yes.

Natera, Inc.
Classification: Benign for Phosphoglycerate dehydrogenase deficiency. Last evaluated: 2020-09-16. Review status: no assertion criteria provided. Collection method: clinical testing. Allele origin: germline. Not counted in ClinVar's aggregate classification.

Diagnostic Laboratory, Department of Genetics, University Medical Center Groningen
Classification: Benign for PHGDH deficiency. Review status: no assertion criteria provided. Collection method: clinical testing. Allele origin: germline. Affected: yes. Study: VKGL Data-share Consensus. Not counted in ClinVar's aggregate classification.

Genome Diagnostics Laboratory, University Medical Center Utrecht
Classification: Benign. Review status: no assertion criteria provided. Collection method: clinical testing. Allele origin: germline. Affected: yes. Study: VKGL Data-share Consensus. Not counted in ClinVar's aggregate classification.